The following is an entry in ClinVar:

NM_139159.5(DPP9):c.2187G>A (p.Val729=)

Genes: DPP9 (dipeptidyl peptidase 9; minus strand), DPP9-AS1 (DPP9 antisense RNA 1; plus strand). Cytogenetic location: 19p13.3.
Variant type: single nucleotide variant.
Coding change: c.2187G>A on transcript NM_139159.5 (MANE Select); coding-DNA position 2187, G replaced by A.
Protein change: p.Val729=; no amino-acid change (valine 729 retained).
Molecular consequence: synonymous variant. On other transcripts: non-coding transcript variant (9).
Genome position (GRCh38, 1-based): chr19:4,683,621, C>T on the plus strand (G>A on the coding strand, the complement: DPP9 is on the minus strand). VCF-style: chr19-4683621-C-T. GRCh37 (hg19) VCF-style: chr19-4683633-C-T.
Other names: c.2187G>A, p.Val729= (NM_001384611.1, NM_001384612.1, NM_001384613.1 and 5 more transcripts); c.2181G>A, p.Val727= (NM_001384617.1); c.2160G>A, p.Val720= (NM_001384618.1); c.2154G>A, p.Val718= (NM_001384619.1); c.2148G>A, p.Val716= (NM_001384620.1, NM_001384621.1); c.2100G>A, p.Val700= (NM_001384623.1, NM_001384624.1, NM_001384625.1 and 2 more transcripts); c.2040G>A, p.Val680= (NM_001384630.1); c.1947G>A, p.Val649= (NM_001384631.1).
Identifiers: ClinVar variation 4084166 (VCV004084166.8).

ClinVar aggregate classification (germline): Likely benign (1 of 4 stars; one submission).

gnomAD v4.1: 87 of 1,613,448 alleles (0.0054%); highest among the groups gnomAD compares: Middle Eastern, 0.15%; no homozygotes.

Submission:

CeGaT Center for Human Genetics Tuebingen
Classification: Likely benign. Last evaluated: 2025-07-01. Review status: criteria provided, single submitter. Criteria: CeGaT Center For Human Genetics Tuebingen Variant Classification Criteria Version 2. Collection method: clinical testing. Allele origin: germline. Affected: yes. Observed: 1 variant allele.
Comment: DPP9: BP4, BP7